The following is an entry in ClinVar:

NM_018136.5(ASPM):c.6795C>T (p.Ala2265=)

Gene: ASPM (assembly factor for spindle microtubules; minus strand). Cytogenetic location: 1q31.3.
Variant type: single nucleotide variant.
Coding change: c.6795C>T on transcript NM_018136.5 (MANE Select); coding-DNA position 6795, C replaced by T.
Protein change: p.Ala2265=; no amino-acid change (alanine 2265 retained).
Molecular consequence: synonymous variant. On other transcripts: intron variant (1).
Genome position (GRCh38, 1-based): chr1:197,102,456, G>A on the plus strand (C>T on the coding strand, the complement: ASPM is on the minus strand). VCF-style: chr1-197102456-G-A. GRCh37 (hg19) VCF-style: chr1-197071586-G-A.
Other names: c.4066-6292C>T (NM_001206846.2).
Identifiers: ClinVar variation 729298 (VCV000729298.8), dbSNP rs750759285, ClinGen allele CA1309521.

ClinVar aggregate classification (germline): Likely benign. Review status: criteria provided, single submitter (1 of 4 stars). 3 submissions from 3 submitters: Likely benign (1). 2 of the submissions do not count toward it. Last evaluated 2025-04-14.

Conditions:
ASPM-related disorder. Also called: ASPM-related condition.

Allele frequency attached by ClinVar (database versions not stated): TOPMed 0.00001; gnomAD 0.00003 and 0.00004; gnomAD exomes 0.00004; ExAC 0.00006.
gnomAD v4.1: 45 of 1,612,088 alleles (0.0028%); highest among the groups gnomAD compares: South Asian, 0.019%; 1 homozygote.

Submissions (3):

Labcorp Genetics (formerly Invitae), Labcorp
Classification: Likely benign. Last evaluated: 2025-04-14. Review status: criteria provided, single submitter. Criteria: Invitae Variant Classification Sherloc (09022015). Collection method: clinical testing. Allele origin: germline.

Genetic Services Laboratory, University of Chicago
Classification: Likely benign. Last evaluated: 2022-07-13. Review status: no assertion criteria provided. Collection method: clinical testing. Allele origin: germline. Affected: no. Not counted in ClinVar's aggregate classification.

PreventionGenetics, part of Exact Sciences
Classification: Likely benign for ASPM-related condition. Last evaluated: 2021-03-25. Review status: no assertion criteria provided. Collection method: clinical testing. Allele origin: germline. Not counted in ClinVar's aggregate classification.
Comment: This variant is classified as likely benign based on ACMG/AMP sequence variant interpretation guidelines (Richards et al. 2015 PMID: 25741868, with internal and published modifications).